The following is an entry in ClinVar:

NM_001927.4(DES):c.1043A>C (p.Gln348Pro)

Gene: DES (desmin; plus strand). Cytogenetic location: 2q35.
Variant type: single nucleotide variant.
Coding change: c.1043A>C on transcript NM_001927.4 (MANE Select); coding-DNA position 1043, A replaced by C.
Protein change: p.Gln348Pro; replaces glutamine 348 with proline.
Molecular consequence: missense variant.
Genome position (GRCh38, 1-based): chr2:219,421,359, A>C. VCF-style: chr2-219421359-A-C. GRCh37 (hg19) VCF-style: chr2-220286081-A-C.
Other names: c.1043A>C (LRG_380t1); short protein forms Q348P.
Identifiers: ClinVar variation 617786 (VCV000617786.5), dbSNP rs1411703397, ClinGen allele CA350693785.
Genomic context (GRCh38, chr2:219,421,359, plus strand): 5'-TCCTCTTCCCTTCCTTGACCTGGGTTCCCCCTCTCCTGCAGAACGATTCCCTGATGAGGC[A>C]GATGCGGGAATTGGAGGACCGATTTGCCAGTGAGGCCAGTGGCTACCAGGACAACATTGC-3'
Protein context (NP_001918.3, residues 338-358): LKGTNDSLMR[Gln348Pro]MRELEDRFAS

ClinVar aggregate classification (germline): Pathogenic. Review status: criteria provided, single submitter (1 of 4 stars). 2 submissions from 2 submitters: Pathogenic (1). 1 of the submissions does not count toward it. Last evaluated 2023-07-07.

Conditions:
Desmin-related myofibrillar myopathy (MFM1). Also called: Desminopathy; Myofibrillar myopathy 1; Desmin related myopathy (former name); Desmin storage myopathy (former name); MYOFIBRILLAR MYOPATHY WITH ARRHYTHMOGENIC RIGHT VENTRICULAR CARDIOMYOPATHY; DESMIN-RELATED MYOPATHY WITH ARRHYTHMOGENIC RIGHT VENTRICULAR CARDIOMYOPATHY. Identifiers: Orphanet 363543, Orphanet 98909, MedGen C1832370, MONDO:0011076, OMIM 601419.

Submissions (2):

Labcorp Genetics (formerly Invitae), Labcorp
Classification: Pathogenic for Desmin-related myofibrillar myopathy. Last evaluated: 2023-07-07. Review status: criteria provided, single submitter. Criteria: Invitae Variant Classification Sherloc (09022015). Collection method: clinical testing. Allele origin: germline.
Comment: This variant is not present in population databases (gnomAD no frequency). This sequence change replaces glutamine, which is neutral and polar, with proline, which is neutral and non-polar, at codon 348 of the DES protein (p.Gln348Pro). This missense change has been observed in individuals with clinical features of autosomal dominant myofibrillar myopathy (PMID: 25541946; external communication). It has also been observed to segregate with disease in related individuals. ClinVar contains an entry for this variant (Variation ID: 617786). Advanced modeling of protein sequence and biophysical properties (such as structural, functional, and spatial information, amino acid conservation, physicochemical variation, residue mobility, and thermodynamic stability) performed at Invitae indicates that this missense variant is expected to disrupt DES protein function. Studies have shown that this missense change alters DES gene expression (PMID: 25541946). For these reasons, this variant has been classified as Pathogenic.

Department of Rehabilitation Medicine, Incheon St. Mary’s Hospital, College of Medicine, The Catholic University of Korea
Classification: Pathogenic for Desmin-related myofibrillar myopathy. Last evaluated: 2019-02-11. Review status: no assertion criteria provided. Collection method: research. Allele origin: unknown. Inheritance: Autosomal dominant inheritance. Affected: yes. Observed: 1 heterozygote. Not counted in ClinVar's aggregate classification.

Literature cited by the submitters: PubMed 25541946 (cited by Labcorp Genetics (formerly Invitae), Labcorp).